The following is an entry in ClinVar:

ClinVar aggregate classification (germline): Uncertain significance (1 of 4 stars; one submission).

Allele frequency attached by ClinVar (database versions not stated): gnomAD 0.00001; gnomAD exomes 0.00002; TOPMed 0.00002; ExAC 0.00003.
gnomAD v4.1: 26 of 1,607,768 alleles (0.0016%); highest among the groups gnomAD compares: East Asian, 0.013%; no homozygotes.

Submission:

Labcorp Genetics (formerly Invitae), Labcorp
Classification: Uncertain significance. Last evaluated: 2022-02-20. Review status: criteria provided, single submitter. Criteria: Invitae Variant Classification Sherloc (09022015). Collection method: clinical testing. Allele origin: germline.
Comment: This variant has not been reported in the literature in individuals affected with C7-related conditions. This sequence change replaces arginine, which is basic and polar, with cysteine, which is neutral and slightly polar, at codon 233 of the C7 protein (p.Arg233Cys). The frequency data for this variant in the population databases is considered unreliable, as metrics indicate poor data quality at this position in the gnomAD database. Algorithms developed to predict the effect of missense changes on protein structure and function are either unavailable or do not agree on the potential impact of this missense change (SIFT: "Deleterious"; PolyPhen-2: "Possibly Damaging"; Align-GVGD: "Class C0"). In summary, the available evidence is currently insufficient to determine the role of this variant in disease. Therefore, it has been classified as a Variant of Uncertain Significance.

NM_000587.4(C7):c.697C>T (p.Arg233Cys)

Gene: C7 (complement C7; plus strand). Cytogenetic location: 5p13.1.
Variant type: single nucleotide variant.
Coding change: c.697C>T on transcript NM_000587.4 (MANE Select); coding-DNA position 697, C replaced by T.
Protein change: p.Arg233Cys; replaces arginine 233 with cysteine.
Molecular consequence: missense variant.
Genome position (GRCh38, 1-based): chr5:40,945,327, C>T. VCF-style: chr5-40945327-C-T. GRCh37 (hg19) VCF-style: chr5-40945429-C-T.
Other names: short protein forms R233C.
Identifiers: ClinVar variation 1948122 (VCV001948122.4), dbSNP rs766746607, ClinGen allele CA3249728.